The following is an entry in ClinVar:

NM_001256317.3(TMPRSS3):c.763G>T (p.Ala255Ser)

Gene: TMPRSS3 (transmembrane serine protease 3; minus strand). Cytogenetic location: 21q22.3.
Variant type: single nucleotide variant.
Coding change: c.763G>T on transcript NM_001256317.3 (MANE Select); coding-DNA position 763, G replaced by T.
Protein change: p.Ala255Ser; replaces alanine 255 with serine.
Molecular consequence: missense variant.
Genome position (GRCh38, 1-based): chr21:42,383,052, C>A on the plus strand (G>T on the coding strand, the complement: TMPRSS3 is on the minus strand). VCF-style: chr21-42383052-C-A. GRCh37 (hg19) VCF-style: chr21-43803161-C-A.
Other names: c.763G>T, p.Ala255Ser (NM_024022.4, NM_032405.2); c.382G>T, p.Ala128Ser (NM_032404.3); short protein forms A255S, A128S.
Identifiers: ClinVar variation 229328 (VCV000229328.5), dbSNP rs778263709, ClinGen allele CA10042484.

ClinVar aggregate classification (germline): Uncertain significance (1 of 4 stars; one submission).

Allele frequency attached by ClinVar (database versions not stated): gnomAD 0.00002; TOPMed 0.00002; ExAC 0.00003; gnomAD exomes 0.00003.

Submission:

Laboratory for Molecular Medicine, Mass General Brigham Personalized Medicine
Classification: Uncertain significance. Last evaluated: 2017-03-16. Review status: criteria provided, single submitter. Criteria: LMM Criteria. Collection method: clinical testing. Allele origin: germline. Observed: 2 variant alleles.
Comment: It has been identified in 4/8642 East Asian chromosomes by the Exome Aggregation Consortium (ExAC; dbSNP rs778263709). Although this variant has been seen in the general population, its frequency is not high enough to rule out a pathogenic role. Additional computational prediction tools and conservation analysis suggest that this variant may impact the protein, thou gh this information is not predictive enough to determine pathogenicity. In summ ary, the clinical significance of the p.Ala255Ser variant is uncertain.